The following is an entry in ClinVar:

ClinVar aggregate classification (germline): Likely pathogenic (1 of 4 stars; one submission).

Conditions:
RASopathy. Also called: rasopathies; Noonan spectrum disorder. Identifiers: Orphanet 536391, MedGen C5555857, MONDO:0021060.

Submission:

Women's Health and Genetics/Laboratory Corporation of America, LabCorp
Classification: Likely pathogenic for RASopathy. Last evaluated: 2023-04-03. Review status: criteria provided, single submitter. Criteria: LabCorp Variant Classification Summary - May 2015. Collection method: clinical testing. Allele origin: germline.
Comment: Variant summary: KRAS c.20T>A (p.Val7Glu) results in a non-conservative amino acid change located in the Small GTP-binding protein domain (IPR005225) of the encoded protein sequence. Five of five in-silico tools predict a damaging effect of the variant on protein function. The variant was absent in 248556 control chromosomes. The available data on variant occurrences in the general population are insufficient to allow any conclusion about variant significance. To our knowledge, no occurrence of c.20T>A in individuals affected with Noonan Syndrome And Related Conditions and no experimental evidence demonstrating its impact on protein function have been reported in the literature. No submitters have provided clinical-significance assessments for this variant to ClinVar after 2014. Based on the evidence outlined above, the variant was classified as likely pathogenic.

NM_004985.5(KRAS):c.20T>A (p.Val7Glu)

Gene: KRAS (KRAS proto-oncogene, GTPase; minus strand). Cytogenetic location: 12p12.1.
Variant type: single nucleotide variant.
Coding change: c.20T>A on transcript NM_004985.5 (MANE Select); coding-DNA position 20, T replaced by A.
Protein change: p.Val7Glu; replaces valine 7 with glutamic acid.
Molecular consequence: missense variant.
Genome position (GRCh38, 1-based): chr12:25,245,365, A>T on the plus strand (T>A on the coding strand, the complement: KRAS is on the minus strand). VCF-style: chr12-25245365-A-T. GRCh37 (hg19) VCF-style: chr12-25398299-A-T.
Other names: c.20T>A, p.Val7Glu (NM_001369786.1, NM_001369787.1, NM_033360.4); c.20T>A (NM_033360.3); short protein forms V7E.
Identifiers: ClinVar variation 2503842 (VCV002503842.1), dbSNP rs2135806346, ClinGen allele CA384157507.
Genomic context (GRCh38, chr12:25,245,365, plus strand): 5'-TGATTCTGAATTAGCTGTATCGTCAAGGCACTCTTGCCTACGCCACCAGCTCCAACTACC[A>T]CAAGTTTATATTCAGTCATTTTCAGCAGGCCTTATAATAAAAATAATGAAAATGTGACTA-3'
Protein context (NP_004976.2, residues 1-17): MTEYKL[Val7Glu]VVGAGGVGKS